The following is an entry in ClinVar:

NM_005245.4(FAT1):c.4108A>G (p.Ser1370Gly)

Gene: FAT1 (FAT atypical cadherin 1; minus strand). Cytogenetic location: 4q35.2.
Variant type: single nucleotide variant.
Coding change: c.4108A>G on transcript NM_005245.4 (MANE Select); coding-DNA position 4108, A replaced by G.
Protein change: p.Ser1370Gly; replaces serine 1370 with glycine.
Molecular consequence: missense variant.
Genome position (GRCh38, 1-based): chr4:186,636,100, T>C on the plus strand (A>G on the coding strand, the complement: FAT1 is on the minus strand). VCF-style: chr4-186636100-T-C. GRCh37 (hg19) VCF-style: chr4-187557254-T-C.
Other names: short protein forms S1370G.
Identifiers: ClinVar variation 2065180 (VCV002065180.4), dbSNP rs746980042, ClinGen allele CA3166818.
Genomic context (GRCh38, chr4:186,636,100, plus strand): 5'-AAAGGGGTATGCCAGGAGGCTCCACAGATATTACTCCAATCATGTGAGCAACGGGGTCAC[T>C]TTCCATCACAGTAAAGGTAAAAAATGATTCTTCAAATGAAATGGGCTCCAGGGACGGTTT-3'
Protein context (NP_005236.2, residues 1360-1380): ESFFTFTVME[Ser1370Gly]DPVAHMIGVI

ClinVar aggregate classification (germline): Uncertain significance (1 of 4 stars; one submission).

Allele frequency attached by ClinVar (database versions not stated): gnomAD 0.00001; gnomAD exomes 0.00001; TOPMed 0.00001; ExAC 0.00002.
gnomAD v4.1: 12 of 1,613,854 alleles (0.00074%); highest among the groups gnomAD compares: African/African-American, 0.0013%; no homozygotes.

Submission:

Labcorp Genetics (formerly Invitae), Labcorp
Classification: Uncertain significance. Last evaluated: 2022-01-04. Review status: criteria provided, single submitter. Criteria: Invitae Variant Classification Sherloc (09022015). Collection method: clinical testing. Allele origin: germline.
Comment: Algorithms developed to predict the effect of missense changes on protein structure and function (SIFT, PolyPhen-2, Align-GVGD) all suggest that this variant is likely to be disruptive. This variant has not been reported in the literature in individuals affected with FAT1-related conditions. This variant is present in population databases (rs746980042, gnomAD 0.003%). This sequence change replaces serine, which is neutral and polar, with glycine, which is neutral and non-polar, at codon 1370 of the FAT1 protein (p.Ser1370Gly). Algorithms developed to predict the effect of sequence changes on RNA splicing suggest that this variant may create or strengthen a splice site. In summary, the available evidence is currently insufficient to determine the role of this variant in disease. Therefore, it has been classified as a Variant of Uncertain Significance.